The following is an entry in ClinVar:

NM_024649.5(BBS1):c.1609-4_1609-3del

Genes: BBS1 (Bardet-Biedl syndrome 1; plus strand), ZDHHC24 (zDHHC palmitoyltransferase 24; minus strand). Cytogenetic location: 11q13.2.
Variant type: Deletion.
Coding change: c.1609-4_1609-3del on transcript NM_024649.5 (MANE Select); 4 bases into the intron before coding-DNA position 1609 through 3 bases into the intron before coding-DNA position 1609, 2 bases deleted (TT; older notation c.1609-4_1609-3delTT).
Molecular consequence: intron variant.
Genome position (GRCh38, 1-based): chr11:66,531,652-66,531,653, TT deleted. VCF-style (leftmost placement, unchanged base first): chr11-66531651-CTT-C. GRCh37 (hg19) VCF-style: chr11-66299122-CTT-C.
Other names: c.560-2165_560-2164del (NM_001348571.2).
Identifiers: ClinVar variation 4998795 (VCV004998795.1).
Genomic context (GRCh38, chr11:66,531,651, plus strand): 5'-GCACTGGAATATGCCAAACACTGGCACGAGGGCTGGTTTCCTTACTTCTTTGTCCCCAAA[CTT>C]AGGTACCCTTGCTGGTGCCAGGGCTCAACTACCCCCTGGAGACCTTTGTGGAGAGTCTCA-3'

ClinVar aggregate classification (germline): Likely benign (1 of 4 stars; one submission).

Conditions:
BBS1-related disorder. Also called: BBS1-related condition.

Submission:

PreventionGenetics, part of Exact Sciences
Classification: Likely benign for BBS1-related condition. Last evaluated: 2025-04-30. Review status: criteria provided, single submitter. Criteria: ACMG Guidelines, 2015. Collection method: clinical testing. Allele origin: germline.
Comment: This variant is classified as likely benign based on ACMG/AMP sequence variant interpretation guidelines (Richards et al. 2015 PMID: 25741868, with internal and published modifications).